The following is an entry in ClinVar:

NM_000048.4(ASL):c.1360C>T (p.Gln454Ter)

Gene: ASL (argininosuccinate lyase; plus strand). Cytogenetic location: 7q11.21.
Variant type: single nucleotide variant.
Coding change: c.1360C>T on transcript NM_000048.4 (MANE Select); coding-DNA position 1360, C replaced by T.
Protein change: p.Gln454Ter; replaces glutamine 454 with a stop codon.
Molecular consequence: nonsense.
Genome position (GRCh38, 1-based): chr7:66,092,877, C>T. VCF-style: chr7-66092877-C-T. GRCh37 (hg19) VCF-style: chr7-65557864-C-T.
Other names: c.1360C>T, p.Gln454Ter (NM_001024943.2); c.1300C>T, p.Gln434Ter (NM_001024944.2); c.1282C>T, p.Gln428Ter (NM_001024946.2); short protein forms Q454*, Q434*, Q428*.
Identifiers: ClinVar variation 224979 (VCV000224979.2), dbSNP rs869312994, ClinGen allele CA357219.

ClinVar aggregate classification (germline): Pathogenic/Likely pathogenic. Review status: criteria provided, multiple submitters, no conflicts (2 of 4 stars). 2 submissions from 2 submitters: Pathogenic (1); Likely pathogenic (1). Last evaluated 2022-01-25.

Conditions:
Argininosuccinate lyase deficiency. Also called: Argininosuccinic aciduria; ARGININOSUCCINIC ACID LYASE DEFICIENCY; ASL DEFICIENCY. Identifiers: Orphanet 23, MedGen C0268547, MONDO:0008815, OMIM 207900, HP:0025630.

Submissions (2):

Women's Health and Genetics/Laboratory Corporation of America, LabCorp
Classification: Likely pathogenic for Argininosuccinate lyase deficiency. Last evaluated: 2022-01-25. Review status: criteria provided, single submitter. Criteria: LabCorp Variant Classification Summary - May 2015. Collection method: clinical testing. Allele origin: germline.
Comment: Variant summary: ASL c.1360C>T (p.Gln454X) results in a premature termination codon, expected to cause a truncation of the encoded protein (removing the last 11 amino acids), which is a commonly known mechanism for disease. A truncation downstream of this position (c.1378C>T, p.Gln460X) has been reported in a severely affected patient (PMID: 24166829). The variant was absent in 247240 control chromosomes (gnomAD). c.1360C>T has been reported in the literature in an individual affected with Argininosuccinic Aciduria (Barbosa_1991). To our knowledge, no experimental evidence demonstrating an impact on protein function has been reported. No clinical diagnostic laboratories have submitted clinical-significance assessments for this variant to ClinVar after 2014. Based on the evidence outlined above, the variant was classified as likely pathogenic.

SNPedia
Classification: Pathogenic for Argininosuccinate lyase deficiency. Review status: criteria provided, single submitter. Criteria: Linnebank et al. (Hum Genet. 2002). Collection method: literature only. Allele origin: germline. Affected: yes.

Literature cited by the submitters: PubMed 1705937 (cited by Women's Health and Genetics/Laboratory Corporation of America, LabCorp).